The following is an entry in ClinVar:

ClinVar aggregate classification (germline): Uncertain significance. Review status: criteria provided, multiple submitters, no conflicts (2 of 4 stars). 2 submissions from 2 submitters: Uncertain significance (2). Last evaluated 2022-12-19.

Conditions:
Inborn genetic diseases. Identifiers: MedGen C0950123, MeSH D030342.
Joubert syndrome. Also called: CEREBELLOPARENCHYMAL DISORDER IV; JOUBERT-BOLTSHAUSER SYNDROME; Familial aplasia of the vermis. Identifiers: Orphanet 475, MedGen C5979921, MONDO:0018772.

Submissions (2):

Ambry Genetics
Classification: Uncertain significance for Inborn genetic diseases. Last evaluated: 2022-12-19. Review status: criteria provided, single submitter. Criteria: Ambry Variant Classification Scheme 2023. Collection method: clinical testing. Allele origin: germline.

Labcorp Genetics (formerly Invitae), Labcorp
Classification: Uncertain significance for Joubert syndrome. Last evaluated: 2021-04-06. Review status: criteria provided, single submitter. Criteria: Invitae Variant Classification Sherloc (09022015). Collection method: clinical testing. Allele origin: germline.
Comment: In summary, the available evidence is currently insufficient to determine the role of this variant in disease. Therefore, it has been classified as a Variant of Uncertain Significance. Advanced modeling of protein sequence and biophysical properties (such as structural, functional, and spatial information, amino acid conservation, physicochemical variation, residue mobility, and thermodynamic stability) performed at Invitae indicates that this missense variant is expected to disrupt AHI1 protein function. This variant has not been reported in the literature in individuals with AHI1-related conditions. This variant is not present in population databases (ExAC no frequency). This sequence change replaces threonine with asparagine at codon 405 of the AHI1 protein (p.Thr405Asn). The threonine residue is highly conserved and there is a small physicochemical difference between threonine and asparagine.

NM_001134831.2(AHI1):c.1214C>A (p.Thr405Asn)

Gene: AHI1 (Abelson helper integration site 1; minus strand). Cytogenetic location: 6q23.3.
Variant type: single nucleotide variant.
Coding change: c.1214C>A on transcript NM_001134831.2 (MANE Select); coding-DNA position 1214, C replaced by A.
Protein change: p.Thr405Asn; replaces threonine 405 with asparagine.
Molecular consequence: missense variant.
Genome position (GRCh38, 1-based): chr6:135,455,864, G>T on the plus strand (C>A on the coding strand, the complement: AHI1 is on the minus strand). VCF-style: chr6-135455864-G-T. GRCh37 (hg19) VCF-style: chr6-135777002-G-T.
Other names: c.1214C>A (NM_017651.4); c.1214C>A, p.Thr405Asn (NM_001134830.2, NM_001134832.2, NM_001350503.2 and 2 more transcripts); short protein forms T405N.
Identifiers: ClinVar variation 1431900 (VCV001431900.9), dbSNP rs2128077525, ClinGen allele CA365746643.
Genomic context (GRCh38, chr6:135,455,864, plus strand): 5'-ACAATTTGTTCTTCCCACTCTGGAAGTCTTGATTTTAACTGTTTAAAATCATATGGCTGG[G>T]TCATAATAGGAAGAATATAATCCACATTCTCTTTTTCATAGTAAGATGAAACAGGCCGTC-3'
Protein context (NP_001128303.1, residues 395-415): ENVDYILPIM[Thr405Asn]QPYDFKQLKS